The following is an entry in ClinVar:

NM_001367561.1(DOCK7):c.2605G>A (p.Gly869Ser)

Gene: DOCK7 (dedicator of cytokinesis 7; minus strand). Cytogenetic location: 1p31.3.
Variant type: single nucleotide variant.
Coding change: c.2605G>A on transcript NM_001367561.1 (MANE Select); coding-DNA position 2605, G replaced by A.
Protein change: p.Gly869Ser; replaces glycine 869 with serine.
Molecular consequence: missense variant.
Genome position (GRCh38, 1-based): chr1:62,552,893, C>T on the plus strand (G>A on the coding strand, the complement: DOCK7 is on the minus strand). VCF-style: chr1-62552893-C-T. GRCh37 (hg19) VCF-style: chr1-63018564-C-T.
Other names: c.2605G>A, p.Gly869Ser (NM_001271999.2, NM_001272000.2, NM_001272001.2 and 2 more transcripts); short protein forms G869S.
Identifiers: ClinVar variation 475133 (VCV000475133.54), dbSNP rs201823761, ClinGen allele CA886216.

ClinVar aggregate classification (germline): Conflicting classifications of pathogenicity. Review status: criteria provided, conflicting classifications (1 of 4 stars). 9 submissions from 9 submitters: Uncertain significance (8); Likely benign (1). Last evaluated 2026-02-02.

Conditions:
Developmental and epileptic encephalopathy, 23 (DEE23). Also called: Epileptic encephalopathy, early infantile, 23. Identifiers: Orphanet 411986, MedGen C4014492, MONDO:0014371, OMIM 615859.
DOCK7-related disorder. Also called: DOCK7-related condition.

Allele frequency attached by ClinVar (database versions not stated): gnomAD 0.00069 and 0.00055; gnomAD exomes 0.00074 and 0.00059; TOPMed 0.00080; 1000 Genomes Project 0.00020; ESP Exome Variant Server 0.00023; 1000 Genomes Project 30x 0.00031; ExAC 0.00048.
gnomAD v4.1: 1,177 of 1,604,212 alleles (0.073%); highest among the groups gnomAD compares: Admixed American, 0.14%; no homozygotes.

Submissions (9):

Labcorp Genetics (formerly Invitae), Labcorp
Classification: Uncertain significance for Developmental and epileptic encephalopathy, 23. Last evaluated: 2026-02-02. Review status: criteria provided, single submitter. Criteria: Invitae Variant Classification Sherloc (09022015). Collection method: clinical testing. Allele origin: germline.
Comment: This sequence change replaces glycine, which is neutral and non-polar, with serine, which is neutral and polar, at codon 869 of the DOCK7 protein (p.Gly869Ser). This variant is present in population databases (rs201823761, gnomAD 0.1%), and has an allele count higher than expected for a pathogenic variant. This missense change has been observed in individual(s) with clinical features of DOCK7-related conditions (internal data). In at least one individual the data is consistent with being in trans (on the opposite chromosome) from a pathogenic variant. ClinVar contains an entry for this variant (Variation ID: 475133). Invitae Evidence Modeling of protein sequence and biophysical properties (such as structural, functional, and spatial information, amino acid conservation, physicochemical variation, residue mobility, and thermodynamic stability) indicates that this missense variant is not expected to disrupt DOCK7 protein function with a negative predictive value of 80%. In summary, the available evidence is currently insufficient to determine the role of this variant in disease. Therefore, it has been classified as a Variant of Uncertain Significance.

PreventionGenetics, part of Exact Sciences
Classification: Likely benign for DOCK7-related condition. Last evaluated: 2026-02-02. Review status: criteria provided, single submitter. Criteria: ACMG Guidelines, 2015. Collection method: clinical testing. Allele origin: germline.
Comment: This variant is classified as likely benign based on ACMG/AMP sequence variant interpretation guidelines (Richards et al. 2015 PMID: 25741868, with internal and published modifications).

Blueprint Genetics
Classification: Uncertain significance. Last evaluated: 2024-10-28. Review status: criteria provided, single submitter. Criteria: ACMG Guidelines, 2015. Collection method: clinical testing. Allele origin: germline.

Women's Health and Genetics/Laboratory Corporation of America, LabCorp
Classification: Uncertain significance. Last evaluated: 2024-05-20. Review status: criteria provided, single submitter. Criteria: LabCorp Variant Classification Summary - May 2015. Collection method: clinical testing. Allele origin: germline.
Comment: Variant summary: DOCK7 c.2605G>A (p.Gly869Ser) results in a non-conservative amino acid change in the encoded protein sequence. Three of five in-silico tools predict a benign effect of the variant on protein function. The variant allele was found at a frequency of 0.00059 in 246258 control chromosomes, predominantly at a frequency of 0.0015 within the Latino subpopulation in the gnomAD database. c.2605G>A has been reported in the literature at a heterozygous state without 2ed reportable variant in one individual affected with epileptic encephalopathy with suppression burst (Perrault_2014). These report(s) do not provide unequivocal conclusions about association of the variant with Developmental And Epileptic Encephalopathy, 23. To our knowledge, no experimental evidence demonstrating an impact on protein function has been reported. The following publication has been ascertained in the context of this evaluation (PMID: 24814191). ClinVar contains an entry for this variant (Variation ID: 475133). Based on the evidence outlined above, the variant was classified as uncertain significance.

Victorian Clinical Genetics Services, Murdoch Childrens Research Institute
Classification: Uncertain significance for Developmental and epileptic encephalopathy, 23. Last evaluated: 2023-07-17. Review status: criteria provided, single submitter. Criteria: ACMG Guidelines, 2015. Collection method: clinical testing. Allele origin: germline. Inheritance: Autosomal recessive inheritance. Affected: yes.
Comment: Based on the classification scheme VCGS_Germline_v1.3.4, this variant is classified as VUS-3C. Following criteria are met: 0102 - Loss of function is a known mechanism of disease in this gene and is associated with developmental and epileptic encephalopathy 23 (MIM#615859). (I) 0106 - This gene is associated with autosomal recessive disease. (I) 0200 - Variant is predicted to result in a missense amino acid change from glycine to serine. (I) 0251 - This variant is heterozygous. (I) 0304 - Variant is present in gnomAD (v2) <0.01 for a recessive condition (157 heterozygotes, 0 homozygotes). (SP) 0309 - An alternative amino acid change at the same position has been observed in gnomAD (v2) (3 heterozygotes, 0 homozygotes). (I) 0503 - Missense variant consistently predicted to be tolerated by multiple in silico tools or not conserved in placental mammals with a minor amino acid change. (SB) 0604 - Variant is not located in an established domain, motif, hotspot or informative constraint region. (I) 0710 - Another missense variant comparable to the one identified in this case has inconclusive previous evidence for pathogenicity. p.(Gly869Ala) has been classified as a VUS by a clinical laboratory in ClinVar. (I) 0809 - Previous evidence of pathogenicity for this variant is inconclusive. This variant has been classified as a VUS by three clinical laboratories in ClinVar, and has been observed as a single hit in an individual with epileptic encephalopathy (PMID: 24814191). (I) 0905 - No published segregation evidence has been identified for this variant. (I) 1007 - No published functional evidence has been identified for this variant. (I) 1208 - Inheritance information for this variant is not currently available in this individual. (I) Legend: (SP) - Supporting pathogenic, (I) - Information, (SB) - Supporting benign

GeneDx
Classification: Uncertain significance. Last evaluated: 2023-05-07. Review status: criteria provided, single submitter. Criteria: GeneDx Variant Classification Process June 2021. Collection method: clinical testing. Allele origin: germline. Affected: yes.
Comment: In silico analysis supports that this missense variant does not alter protein structure/function; Has not been previously published as pathogenic or benign to our knowledge

Baylor Genetics
Classification: Uncertain significance for Developmental and epileptic encephalopathy, 23. Last evaluated: 2023-05-05. Review status: criteria provided, single submitter. Criteria: ACMG Guidelines, 2015. Collection method: clinical testing. Allele origin: unknown.

Genome-Nilou Lab
Classification: Uncertain significance for Developmental and epileptic encephalopathy, 23. Last evaluated: 2023-04-11. Review status: criteria provided, single submitter. Criteria: ACMG Guidelines, 2015. Collection method: clinical testing. Allele origin: germline. Affected: no.

CeGaT Center for Human Genetics Tuebingen
Classification: Uncertain significance. Last evaluated: 2021-03-01. Review status: criteria provided, single submitter. Criteria: CeGaT Center For Human Genetics Tuebingen Variant Classification Criteria Version 2. Collection method: clinical testing. Allele origin: germline. Affected: yes. Observed: 2 variant alleles.

Literature cited by the submitters: PubMed 24814191 (cited by Women's Health and Genetics/Laboratory Corporation of America, LabCorp and Victorian Clinical Genetics Services, Murdoch Childrens Research Institute).